The following is an entry in ClinVar:

NM_015122.3(FCHO1):c.2565G>C (p.Glu855Asp)

Gene: FCHO1 (FCH and mu domain containing endocytic adaptor 1; plus strand). Cytogenetic location: 19p13.11.
Variant type: single nucleotide variant.
Coding change: c.2565G>C on transcript NM_015122.3 (MANE Select); coding-DNA position 2565, G replaced by C.
Protein change: p.Glu855Asp; replaces glutamic acid 855 with aspartic acid.
Molecular consequence: missense variant. On other transcripts: non-coding transcript variant (36).
Genome position (GRCh38, 1-based): chr19:17,787,764, G>C. VCF-style: chr19-17787764-G-C. GRCh37 (hg19) VCF-style: chr19-17898573-G-C.
Other names: c.2565G>C, p.Glu855Asp (NM_001161357.2, NM_001161358.2, NM_001384370.1 and 11 more transcripts); c.2415G>C, p.Glu805Asp (NM_001161359.2, NM_001384384.1, NM_001384385.1 and 1 more transcripts); c.2544G>C, p.Glu848Asp (NM_001384387.1); c.2526G>C, p.Glu842Asp (NM_001384388.1, NM_001384389.1); c.2490G>C, p.Glu830Asp (NM_001384390.1); c.2365G>C, p.Gly789Arg (NM_001384391.1); c.2448G>C, p.Glu816Asp (NM_001384392.1, NM_001384393.1, NM_001384394.1 and 1 more transcripts); c.2289G>C, p.Glu763Asp (NM_001384396.1, NM_001384397.1, NM_001384398.1 and 4 more transcripts); and 6 more; short protein forms E805D, G647R, E554D, E816D, E842D, E855D, G789R, E731D.
Identifiers: ClinVar variation 1366446 (VCV001366446.9), dbSNP rs200161942, ClinGen allele CA9300924.

ClinVar aggregate classification (germline): Uncertain significance. Review status: criteria provided, multiple submitters, no conflicts (2 of 4 stars). 2 submissions from 2 submitters: Uncertain significance (2). Last evaluated 2025-11-02.

Allele frequency attached by ClinVar (database versions not stated): gnomAD 0.00001 and 0.00002; TOPMed 0.00001; ExAC 0.00006; 1000 Genomes Project 0.00020; 1000 Genomes Project 30x 0.00031.
gnomAD v4.1: 10 of 1,609,992 alleles (0.00062%); highest among the groups gnomAD compares: East Asian, 0.011%; no homozygotes.

Submissions (2):

Ambry Genetics
Classification: Uncertain significance. Last evaluated: 2025-11-02. Review status: criteria provided, single submitter. Criteria: Ambry Variant Classification Scheme 2023. Collection method: clinical testing. Allele origin: germline.

Labcorp Genetics (formerly Invitae), Labcorp
Classification: Uncertain significance. Last evaluated: 2025-03-27. Review status: criteria provided, single submitter. Criteria: Invitae Variant Classification Sherloc (09022015). Collection method: clinical testing. Allele origin: germline.
Comment: This sequence change replaces glutamic acid, which is acidic and polar, with aspartic acid, which is acidic and polar, at codon 855 of the FCHO1 protein (p.Glu855Asp). This variant is present in population databases (rs200161942, gnomAD 0.04%). This variant has not been reported in the literature in individuals affected with FCHO1-related conditions. ClinVar contains an entry for this variant (Variation ID: 1366446). An algorithm developed to predict the effect of missense changes on protein structure and function (PolyPhen-2) suggests that this variant is likely to be disruptive. In summary, the available evidence is currently insufficient to determine the role of this variant in disease. Therefore, it has been classified as a Variant of Uncertain Significance.